The following is an entry in ClinVar:

NM_014855.3(AP5Z1):c.1019C>T (p.Pro340Leu)

Gene: AP5Z1 (adaptor related protein complex 5 subunit zeta 1; plus strand). Cytogenetic location: 7p22.1.
Variant type: single nucleotide variant.
Coding change: c.1019C>T on transcript NM_014855.3 (MANE Select); coding-DNA position 1019, C replaced by T.
Protein change: p.Pro340Leu; replaces proline 340 with leucine.
Molecular consequence: missense variant. On other transcripts: non-coding transcript variant (1).
Genome position (GRCh38, 1-based): chr7:4,785,571, C>T. VCF-style: chr7-4785571-C-T. GRCh37 (hg19) VCF-style: chr7-4825202-C-T.
Other names: c.551C>T, p.Pro184Leu (NM_001364858.1); short protein forms P184L, P340L.
Identifiers: ClinVar variation 3768179 (VCV003768179.1).
Genomic context (GRCh38, chr7:4,785,571, plus strand): 5'-ATGTCCCGCAGTGCCTGGTGGAGGCCGTGCTGGTGCTGGACGTGCTGTGCCGGCAGGACC[C>T]GTCCTTCCTGTACCGAAGTCTCTCCTGCCTGAAGGCCCTGCACGGGCGGGTGCGCGGGGA-3'
Protein context (NP_055670.1, residues 330-350): LVLDVLCRQD[Pro340Leu]SFLYRSLSCL

ClinVar aggregate classification (germline): Uncertain significance (1 of 4 stars; one submission).

Submission:

Women's Health and Genetics/Laboratory Corporation of America, LabCorp
Classification: Uncertain significance. Last evaluated: 2024-12-10. Review status: criteria provided, single submitter. Criteria: LabCorp Variant Classification Summary - May 2015. Collection method: clinical testing. Allele origin: germline.
Comment: Variant summary: AP5Z1 c.1019C>T (p.Pro340Leu) results in a non-conservative amino acid change located in the AP-5 complex subunit, vesicle trafficking (IPR028222) of the encoded protein sequence. Three of five in-silico tools predict a benign effect of the variant on protein function. The variant allele was found at a frequency of 8.4e-06 in 236842 control chromosomes. The available data on variant occurrences in the general population are insufficient to allow any conclusion about variant significance. To our knowledge, no occurrence of c.1019C>T in individuals affected with Hereditary Spastic Paraplegia 48 and no experimental evidence demonstrating its impact on protein function have been reported. No submitters have cited clinical-significance assessments for this variant to ClinVar. Based on the evidence outlined above, the variant was classified as uncertain significance.